The following is an entry in ClinVar:

NM_001349278.2(ANKRD28):c.228C>T (p.His76=)

Gene: ANKRD28 (ankyrin repeat domain 28; minus strand). Cytogenetic location: 3p25.1.
Variant type: single nucleotide variant.
Coding change: c.228C>T on transcript NM_001349278.2 (MANE Select); coding-DNA position 228, C replaced by T.
Protein change: p.His76=; no amino-acid change (histidine 76 retained).
Molecular consequence: synonymous variant. On other transcripts: 5 prime UTR variant (2), missense variant (3), non-coding transcript variant (2).
Genome position (GRCh38, 1-based): chr3:15,766,286, G>A on the plus strand (C>T on the coding strand, the complement: ANKRD28 is on the minus strand). VCF-style: chr3-15766286-G-A. GRCh37 (hg19) VCF-style: chr3-15807793-G-A.
Other names: c.-325C>T (NM_001195098.1, NM_001349283.2); c.237C>T, p.His79= (NM_001349277.2); c.129C>T, p.His43= (NM_001349279.2); c.41C>T, p.Thr14Met (NM_001349280.1, NM_001349281.2, NM_001349282.2); c.138C>T, p.His46= (NM_015199.4); short protein forms T14M.
Identifiers: ClinVar variation 2653605 (VCV002653605.24), dbSNP rs138689821, ClinGen allele CA2278343.

ClinVar aggregate classification (germline): Likely benign (1 of 4 stars; one submission).

Allele frequency attached by ClinVar (database versions not stated): 1000 Genomes Project 0.00280; 1000 Genomes Project 30x 0.00359; ExAC 0.00366; ESP Exome Variant Server 0.00465; gnomAD 0.00482; TOPMed 0.00533; gnomAD exomes 0.00700.
gnomAD v4.1: 10,940 of 1,610,920 alleles (0.68%); highest among the groups gnomAD compares: Non-Finnish European, 0.84%; 60 homozygotes.

Submission:

CeGaT Center for Human Genetics Tuebingen
Classification: Likely benign. Last evaluated: 2023-04-01. Review status: criteria provided, single submitter. Criteria: CeGaT Center For Human Genetics Tuebingen Variant Classification Criteria Version 2. Collection method: clinical testing. Allele origin: germline. Affected: yes. Observed: 1 variant allele.
Comment: ANKRD28: BP4, BP7, BS2